The following is an entry in ClinVar:

NM_004483.5(GCSH):c.70dup (p.Ala24fs)

Genes: GCSH (glycine cleavage system protein H; minus strand), LOC130059495 (ATAC-STARR-seq lymphoblastoid silent region 7751; plus strand). Cytogenetic location: 16q23.2.
Variant type: Duplication.
Coding change: c.70dup on transcript NM_004483.5 (MANE Select); coding-DNA position 70, one base duplicated (G; older notation c.70dupG).
Protein change: p.Ala24fs; shifts the reading frame from alanine 24.
Molecular consequence: frameshift variant. On other transcripts: non-coding transcript variant (1).
Genome position (GRCh38, 1-based): chr16:81,096,209, C duplicated on the plus strand (G on the coding strand, the reverse complement: GCSH is on the minus strand). VCF-style (leftmost placement, unchanged base first): chr16-81096208-G-GC. GRCh37 (hg19) VCF-style: chr16-81129813-G-GC.
Other names: short protein forms A24fs.
Identifiers: ClinVar variation 4880621 (VCV004880621.2).

ClinVar aggregate classification (germline): Likely pathogenic (1 of 4 stars; one submission).

Submission:

Dasa
Classification: Likely pathogenic. Last evaluated: 2025-07-03. Review status: criteria provided, single submitter. Criteria: DASA Assertion Criteria. Collection method: clinical testing. Allele origin: germline.
Comment: NM_004483.5(GCSH):c.70dup (p.Ala24Glyfs*29) is a frameshift variant in GCSH predicted to alter the reading frame and introduce a premature termination codon and is predicted to result in an absent or altered protein product. Loss of function is an established disease mechanism for GCSH-associated disorders. Also, this variant is absent from population databases. Based on the currently available evidence, this variant is classified as likely pathogenic.